The following is an entry in ClinVar:

NM_015046.7(SETX):c.5033A>G (p.Glu1678Gly)

Gene: SETX (senataxin; minus strand). Cytogenetic location: 9q34.13.
Variant type: single nucleotide variant.
Coding change: c.5033A>G on transcript NM_015046.7 (MANE Select); coding-DNA position 5033, A replaced by G.
Protein change: p.Glu1678Gly; replaces glutamic acid 1678 with glycine.
Molecular consequence: missense variant.
Genome position (GRCh38, 1-based): chr9:132,326,565, T>C on the plus strand (A>G on the coding strand, the complement: SETX is on the minus strand). VCF-style: chr9-132326565-T-C. GRCh37 (hg19) VCF-style: chr9-135201952-T-C.
Other names: c.5033A>G, p.Glu1678Gly (NM_001351527.2, NM_001351528.2); short protein forms E1678G.
Identifiers: ClinVar variation 4682257 (VCV004682257.1).
Genomic context (GRCh38, chr9:132,326,565, plus strand): 5'-GAGACAGACTGTGATGACAAAAGAATGTTTACTGGAGAGGAAGATGGAAAATATTTGCTT[T>C]CACCAAATGGAACTTTGCAACCTTGCCTGTTGGAATTATTCGGAGACTGAGGATGAAGAA-3'
Protein context (NP_055861.3, residues 1668-1688): NRQGCKVPFG[Glu1678Gly]SKYFPSSSPV

ClinVar aggregate classification (germline): Uncertain significance (1 of 4 stars; one submission).

gnomAD v4.1: 1 of 1,614,220 alleles (0.000062%); highest among the groups gnomAD compares: South Asian, 0.0011%; no homozygotes.

Submission:

Athena Diagnostics
Classification: Uncertain significance. Last evaluated: 2025-02-13. Review status: criteria provided, single submitter. Criteria: Athena Diagnostics Criteria. Collection method: clinical testing. Allele origin: unknown.
Comment: Available data are insufficient to determine the clinical significance of the variant at this time. The frequency of this variant in the general population is uninformative in assessment of its pathogenicity. Polyphen and MutationTaster predict this amino acid change may be benign.